The following is an entry in ClinVar:

ClinVar aggregate classification (germline): Uncertain significance. Review status: criteria provided, multiple submitters, no conflicts (2 of 4 stars). 2 submissions from 2 submitters: Uncertain significance (2). Last evaluated 2022-06-10.

Conditions:
Inborn genetic diseases. Identifiers: MedGen C0950123, MeSH D030342.
Epidermolysis bullosa simplex 3, localized or generalized intermediate, with BP230 deficiency (EBS3). Also called: Epidermolysis bullosa simplex, autosomal recessive 2; Epidermolysis bullosa simplex due to BP230 deficiency. Identifiers: Orphanet 412181, MedGen C3809470, MONDO:0014180, OMIM 615425.
Hereditary sensory and autonomic neuropathy type 6. Also called: Neuropathy, hereditary sensory and autonomic, type VI; HSAN VI. Identifiers: Orphanet 314381, MedGen C3539003, MONDO:0013839, OMIM 614653.

Allele frequency attached by ClinVar (database versions not stated): ExAC 0.00001; gnomAD 0.00001; gnomAD exomes 0.00002; TOPMed 0.00002.
gnomAD v4.1: 27 of 1,613,684 alleles (0.0017%); highest among the groups gnomAD compares: Non-Finnish European, 0.0019%; no homozygotes.

Submissions (2):

Labcorp Genetics (formerly Invitae), Labcorp
Classification: Uncertain significance for Epidermolysis bullosa simplex 3, localized or generalized intermediate, with BP230 deficiency; Hereditary sensory and autonomic neuropathy type 6. Last evaluated: 2022-06-10. Review status: criteria provided, single submitter. Criteria: Invitae Variant Classification Sherloc (09022015). Collection method: clinical testing. Allele origin: germline.
Comment: The DST gene has multiple clinically relevant transcripts. This variant occurs in alternate transcript NM_015548.4, and corresponds to NM_001723.5:c.*106927G>A in the primary transcript. This sequence change replaces arginine, which is basic and polar, with glutamine, which is neutral and polar, at codon 3770 of the DST protein (p.Arg3770Gln). This variant is present in population databases (rs759918675, gnomAD 0.003%). This variant has not been reported in the literature in individuals affected with DST-related conditions. ClinVar contains an entry for this variant (Variation ID: 970979). Algorithms developed to predict the effect of missense changes on protein structure and function output the following: SIFT: "Not Available"; PolyPhen-2: "Not Available"; Align-GVGD: "Not Available". The glutamine amino acid residue is found in multiple mammalian species, which suggests that this missense change does not adversely affect protein function. Algorithms developed to predict the effect of sequence changes on RNA splicing suggest that this variant may create or strengthen a splice site. In summary, the available evidence is currently insufficient to determine the role of this variant in disease. Therefore, it has been classified as a Variant of Uncertain Significance.

Ambry Genetics
Classification: Uncertain significance for Inborn genetic diseases. Last evaluated: 2022-04-21. Review status: criteria provided, single submitter. Criteria: Ambry Variant Classification Scheme 2023. Collection method: clinical testing. Allele origin: germline.
Comment: The p.R4274Q variant (also known as c.12821G>A), located in coding exon 69 of the DST gene, results from a G to A substitution at nucleotide position 12821. The arginine at codon 4274 is replaced by glutamine, an amino acid with highly similar properties. This amino acid position is well conserved in available vertebrate species. In addition, the in silico prediction for this alteration is inconclusive. Since supporting evidence is limited at this time, the clinical significance of this alteration remains unclear.

NM_001374736.1(DST):c.19178G>A (p.Arg6393Gln)

Gene: DST (dystonin; minus strand). Cytogenetic location: 6p12.1.
Variant type: single nucleotide variant.
Coding change: c.19178G>A on transcript NM_001374736.1 (MANE Select); coding-DNA position 19178, G replaced by A.
Protein change: p.Arg6393Gln; replaces arginine 6393 with glutamine.
Molecular consequence: missense variant.
Genome position (GRCh38, 1-based): chr6:56,508,590, C>T on the plus strand (G>A on the coding strand, the complement: DST is on the minus strand). VCF-style: chr6-56508590-C-T. GRCh37 (hg19) VCF-style: chr6-56373388-C-T.
Other names: c.12821G>A, p.Arg4274Gln (NM_001144769.5); c.12407G>A, p.Arg4136Gln (NM_001144770.2); c.19178G>A, p.Arg6393Gln (NM_001374722.1); c.18218G>A, p.Arg6073Gln (NM_001374729.1); c.11960G>A, p.Arg3987Gln (NM_001374730.1); c.19205G>A, p.Arg6402Gln (NM_001374734.1); c.11309G>A, p.Arg3770Gln (NM_015548.5); c.12287G>A, p.Arg4096Gln (NM_183380.4); short protein forms R3987Q, R4136Q, R3770Q, R4096Q, R4274Q, R6073Q, R6393Q, R6402Q.
Identifiers: ClinVar variation 970979 (VCV000970979.7), dbSNP rs759918675, ClinGen allele CA3867060.